The following is an entry in ClinVar:

ClinVar aggregate classification (germline): Uncertain significance (1 of 4 stars; one submission).

Conditions:
Hereditary cancer-predisposing syndrome. Also called: Tumor predisposition; Neoplastic Syndromes, Hereditary; Hereditary Cancer Syndrome; Hereditary neoplastic syndrome. Identifiers: Orphanet 140162, MedGen C0027672, MeSH D009386, MONDO:0015356.

Submission:

Ambry Genetics
Classification: Uncertain significance for Hereditary cancer-predisposing syndrome. Last evaluated: 2025-01-11. Review status: criteria provided, single submitter. Criteria: Ambry Variant Classification Scheme 2023. Collection method: clinical testing. Allele origin: germline.
Comment: The p.L1046R variant (also known as c.3137T>G), located in coding exon 11 of the PALB2 gene, results from a T to G substitution at nucleotide position 3137. The leucine at codon 1046 is replaced by arginine, an amino acid with dissimilar properties. This amino acid position is conserved. In addition, the in silico prediction for this alteration is inconclusive. Based on the available evidence, the clinical significance of this variant remains unclear.

NM_024675.4(PALB2):c.3137T>G (p.Leu1046Arg)

Gene: PALB2 (partner and localizer of BRCA2; minus strand). Cytogenetic location: 16p12.2.
Variant type: single nucleotide variant.
Coding change: c.3137T>G on transcript NM_024675.4 (MANE Select); coding-DNA position 3137, T replaced by G.
Protein change: p.Leu1046Arg; replaces leucine 1046 with arginine.
Molecular consequence: missense variant. On other transcripts: intron variant (3).
Genome position (GRCh38, 1-based): chr16:23,614,068, A>C on the plus strand (T>G on the coding strand, the complement: PALB2 is on the minus strand). VCF-style: chr16-23614068-A-C. GRCh37 (hg19) VCF-style: chr16-23625389-A-C.
Other names: c.3077T>G, p.Leu1026Arg (NM_001407296.1); c.3065T>G, p.Leu1022Arg (NM_001407297.1); c.2975T>G, p.Leu992Arg (NM_001407298.1, NM_001407302.1); c.2858T>G, p.Leu953Arg (NM_001407300.1); c.3137T>G, p.Leu1046Arg (NM_001407301.1); c.2252T>G, p.Leu751Arg (NM_001407304.1, NM_001407305.1, NM_001407306.1 and 2 more transcripts); c.2090T>G, p.Leu697Arg (NM_001407307.1); c.1349T>G, p.Leu450Arg (NM_001407312.1, NM_001407313.1); and 3 more; short protein forms L450R, L697R, L953R, L1022R, L1026R, L751R, L1046R, L224R.
Identifiers: ClinVar variation 3885205 (VCV003885205.1).
Genomic context (GRCh38, chr16:23,614,068, plus strand): 5'-TCAGAATAGGCTTTGTGACAGACTGAAGCTTGGTAAGAATCATCAATGTGCATCTTTTTC[A>C]GGAGTTGACCAGTTTTTAAATTCCTTAGATAACAAAAATAAATAAGCTGATCACATTCTT-3'
Protein context (NP_078951.2, residues 1036-1056): VIWNLKTGQL[Leu1046Arg]KKMHIDDSYQ